The following is an entry in ClinVar:

ClinVar aggregate classification (germline): Uncertain significance. Review status: criteria provided, multiple submitters, no conflicts (2 of 4 stars). 2 submissions from 2 submitters: Uncertain significance (2). Last evaluated 2024-12-06.

Allele frequency attached by ClinVar (database versions not stated): gnomAD exomes 0.00001 and 0.00002; ExAC 0.00002; gnomAD 0.00002; ESP Exome Variant Server 0.00008.

Submissions (2):

Ambry Genetics
Classification: Uncertain significance. Last evaluated: 2024-12-06. Review status: criteria provided, single submitter. Criteria: Ambry Variant Classification Scheme 2023. Collection method: clinical testing. Allele origin: germline.

Labcorp Genetics (formerly Invitae), Labcorp
Classification: Uncertain significance. Last evaluated: 2021-07-25. Review status: criteria provided, single submitter. Criteria: Invitae Variant Classification Sherloc (09022015). Collection method: clinical testing. Allele origin: germline.
Comment: This sequence change replaces threonine with methionine at codon 340 of the IFT57 protein (p.Thr340Met). The threonine residue is moderately conserved and there is a moderate physicochemical difference between threonine and methionine. This variant is present in population databases (rs145375065, ExAC 0.006%). This variant has not been reported in the literature in individuals affected with IFT57-related conditions. Algorithms developed to predict the effect of missense changes on protein structure and function (SIFT, PolyPhen-2, Align-GVGD) all suggest that this variant is likely to be tolerated. In summary, the available evidence is currently insufficient to determine the role of this variant in disease. Therefore, it has been classified as a Variant of Uncertain Significance.

NM_018010.4(IFT57):c.1019C>T (p.Thr340Met)

Gene: IFT57 (intraflagellar transport 57; minus strand). Cytogenetic location: 3q13.12.
Variant type: single nucleotide variant.
Coding change: c.1019C>T on transcript NM_018010.4 (MANE Select); coding-DNA position 1019, C replaced by T.
Protein change: p.Thr340Met; replaces threonine 340 with methionine.
Molecular consequence: missense variant.
Genome position (GRCh38, 1-based): chr3:108,165,456, G>A on the plus strand (C>T on the coding strand, the complement: IFT57 is on the minus strand). VCF-style: chr3-108165456-G-A. GRCh37 (hg19) VCF-style: chr3-107884303-G-A.
Other names: c.1019C>T (NM_018010.3); short protein forms T340M.
Identifiers: ClinVar variation 1350019 (VCV001350019.9), dbSNP rs145375065, ClinGen allele CA2526497.
Genomic context (GRCh38, chr3:108,165,456, plus strand): 5'-CAGGTGAGAAGCAGGGCAAGAGCATCAGTGTGTACCTCAGAGAGGAGTCTGGTTCTTTCC[G>A]TCACTCCTCCATTTCCCTGCTGGTATCGCTCCTTTGCCTGAGAGGAAAAACATTTTGTTT-3'
Protein context (NP_060480.1, residues 330-350): ERYQQGNGGV[Thr340Met]ERTRLLSEVM